The following is an entry in ClinVar:

ClinVar aggregate classification (germline): Uncertain significance (1 of 4 stars; one submission).

Conditions:
Gastrointestinal stromal tumor. Also called: Gastrointestinal stromal tumor, somatic; Gastrointestinal stroma tumor. Identifiers: Orphanet 44890, MedGen C0238198, MeSH D046152, MONDO:0011719, OMIM 606764, HP:0100723.

Allele frequency attached by ClinVar (database versions not stated): gnomAD exomes below 0.00001 and 0.00001.
gnomAD v4.1: 2 of 1,612,512 alleles (0.00012%); highest among the groups gnomAD compares: Admixed American, 0.0017%; no homozygotes.

Submission:

Labcorp Genetics (formerly Invitae), Labcorp
Classification: Uncertain significance for Gastrointestinal stromal tumor. Last evaluated: 2024-03-21. Review status: criteria provided, single submitter. Criteria: Invitae Variant Classification Sherloc (09022015). Collection method: clinical testing. Allele origin: germline.
Comment: This sequence change falls in intron 10 of the KIT gene. It does not directly change the encoded amino acid sequence of the KIT protein. It affects a nucleotide within the consensus splice site. This variant is present in population databases (no rsID available, gnomAD 0.006%). This variant has not been reported in the literature in individuals affected with KIT-related conditions. ClinVar contains an entry for this variant (Variation ID: 998944). Variants that disrupt the consensus splice site are a relatively common cause of aberrant splicing (PMID: 17576681, 9536098). Algorithms developed to predict the effect of sequence changes on RNA splicing suggest that this variant is not likely to affect RNA splicing. In summary, the available evidence is currently insufficient to determine the role of this variant in disease. Therefore, it has been classified as a Variant of Uncertain Significance.

Literature cited by the submitters: PubMed 17576681; PubMed 9536098.

NM_000222.3(KIT):c.1647+6C>A

Gene: KIT (KIT proto-oncogene, receptor tyrosine kinase; plus strand). Cytogenetic location: 4q12.
Variant type: single nucleotide variant.
Coding change: c.1647+6C>A on transcript NM_000222.3 (MANE Select); 6 bases into the intron after coding-DNA position 1647, C replaced by A.
Molecular consequence: intron variant.
Genome position (GRCh38, 1-based): chr4:54,727,330, C>A. VCF-style: chr4-54727330-C-A. GRCh37 (hg19) VCF-style: chr4-55593496-C-A.
Other names: c.1650+6C>A (NM_001385284.1, NM_001385290.1); c.1638+6C>A (NM_001385288.1, NM_001385292.1); c.1647+6C>A (NM_001385285.1); c.1635+6C>A (NM_001093772.2, NM_001385286.1).
Identifiers: ClinVar variation 998944 (VCV000998944.6), dbSNP rs1321589360, ClinGen allele CA551651643.